The following is an entry in ClinVar:

NM_198253.3(TERT):c.2884C>T (p.Arg962Cys)

Gene: TERT (telomerase reverse transcriptase; minus strand). Cytogenetic location: 5p15.33.
Variant type: single nucleotide variant.
Coding change: c.2884C>T on transcript NM_198253.3 (MANE Select); coding-DNA position 2884, C replaced by T.
Protein change: p.Arg962Cys; replaces arginine 962 with cysteine.
Molecular consequence: missense variant. On other transcripts: non-coding transcript variant (2).
Genome position (GRCh38, 1-based): chr5:1,260,560, G>A on the plus strand (C>T on the coding strand, the complement: TERT is on the minus strand). VCF-style: chr5-1260560-G-A. GRCh37 (hg19) VCF-style: chr5-1260675-G-A.
Other names: c.2695C>T, p.Arg899Cys (NM_001193376.3); short protein forms R962C, R899C.
Identifiers: ClinVar variation 539208 (VCV000539208.13), dbSNP rs144697790, ClinGen allele CA3184351.

ClinVar aggregate classification (germline): Conflicting classifications of pathogenicity. Review status: criteria provided, conflicting classifications (1 of 4 stars). 4 submissions from 4 submitters: Uncertain significance (2); Benign (1); Likely benign (1). Last evaluated 2026-03-02.

Conditions:
Dyskeratosis congenita, autosomal dominant 2. Identifiers: MedGen C3151443, MONDO:0013521, OMIM 613989.
Idiopathic Pulmonary Fibrosis. Also called: Idiopathic fibrosing alveolitis, chronic form; idiopathic fibrosing alveolitis. Identifiers: Orphanet 2032, MedGen C1800706, MeSH D054990, MONDO:0800504.
Dyskeratosis congenita. Identifiers: Orphanet 1775, MedGen C0265965, MONDO:0015780.

Allele frequency attached by ClinVar (database versions not stated): 1000 Genomes Project 30x 0.00016; ExAC 0.00004; ESP Exome Variant Server 0.00016; gnomAD 0.00019; gnomAD exomes 0.00002; 1000 Genomes Project 0.00040; TOPMed 0.00012.
gnomAD v4.1: 43 of 1,614,142 alleles (0.0027%); highest among the groups gnomAD compares: African/African-American, 0.028%; no homozygotes.

Submissions (4):

GeneDx
Classification: Uncertain significance. Last evaluated: 2026-03-02. Review status: criteria provided, single submitter. Criteria: GeneDx Variant Classification Process June 2021. Collection method: clinical testing. Allele origin: germline.
Comment: In silico analysis suggests that this missense variant does not alter protein structure/function; Has not been previously published as pathogenic or benign to our knowledge; This variant is associated with the following publications: (PMID: Gramatges2011[Poster])

Labcorp Genetics (formerly Invitae), Labcorp
Classification: Benign for Dyskeratosis congenita, autosomal dominant 2; Idiopathic Pulmonary Fibrosis. Last evaluated: 2025-07-06. Review status: criteria provided, single submitter. Criteria: Invitae Variant Classification Sherloc (09022015). Collection method: clinical testing. Allele origin: germline.

Ambry Genetics
Classification: Likely benign for Dyskeratosis congenita. Last evaluated: 2025-01-13. Review status: criteria provided, single submitter. Criteria: Ambry Variant Classification Scheme 2023. Collection method: clinical testing. Allele origin: germline.

Baylor Genetics
Classification: Uncertain significance for Dyskeratosis congenita, autosomal dominant 2. Last evaluated: 2024-02-16. Review status: criteria provided, single submitter. Criteria: ACMG Guidelines, 2015. Collection method: clinical testing. Allele origin: unknown.